The following is an entry in ClinVar:

ClinVar aggregate classification (germline): Uncertain significance. Review status: criteria provided, multiple submitters, no conflicts (2 of 4 stars). 2 submissions from 2 submitters: Uncertain significance (2). Last evaluated 2022-08-20.

Conditions:
Microcephaly, normal intelligence and immunodeficiency (NBS). Also called: Immunodeficiency, microcephaly with normal intelligence; Ataxia telangiectasia variant V1; IMMUNODEFICIENCY, MICROCEPHALY, AND CHROMOSOMAL INSTABILITY; BERLIN BREAKAGE SYNDROME; SEEMANOVA SYNDROME II; Nijmegen breakage syndrome. Identifiers: Orphanet 647, MedGen C0398791, MONDO:0009623, OMIM 251260.
Hereditary cancer-predisposing syndrome. Also called: Neoplastic Syndromes, Hereditary; Hereditary neoplastic syndrome; Tumor predisposition; Hereditary Cancer Syndrome. Identifiers: Orphanet 140162, MedGen C0027672, MeSH D009386, MONDO:0015356.

Allele frequency attached by ClinVar (database versions not stated): gnomAD exomes below 0.00001; ExAC 0.00001.
gnomAD v4.1: 1 of 1,613,448 alleles (0.000062%); highest among the groups gnomAD compares: Non-Finnish European, 0.000085%; no homozygotes.

Submissions (2):

Labcorp Genetics (formerly Invitae), Labcorp
Classification: Uncertain significance for Microcephaly, normal intelligence and immunodeficiency. Last evaluated: 2022-08-20. Review status: criteria provided, single submitter. Criteria: Invitae Variant Classification Sherloc (09022015). Collection method: clinical testing. Allele origin: germline.
Comment: This variant is present in population databases (rs749918573, gnomAD 0.0009%). This variant has not been reported in the literature in individuals affected with NBN-related conditions. ClinVar contains an entry for this variant (Variation ID: 530730). Algorithms developed to predict the effect of missense changes on protein structure and function output the following: SIFT: "Tolerated"; PolyPhen-2: "Benign"; Align-GVGD: "Class C0". The serine amino acid residue is found in multiple mammalian species, which suggests that this missense change does not adversely affect protein function. In summary, the available evidence is currently insufficient to determine the role of this variant in disease. Therefore, it has been classified as a Variant of Uncertain Significance. This sequence change replaces proline, which is neutral and non-polar, with serine, which is neutral and polar, at codon 572 of the NBN protein (p.Pro572Ser).

Ambry Genetics
Classification: Uncertain significance for Hereditary cancer-predisposing syndrome. Last evaluated: 2022-04-26. Review status: criteria provided, single submitter. Criteria: Ambry Variant Classification Scheme 2023. Collection method: clinical testing. Allele origin: germline.
Comment: The p.P572S variant (also known as c.1714C>T), located in coding exon 11 of the NBN gene, results from a C to T substitution at nucleotide position 1714. The proline at codon 572 is replaced by serine, an amino acid with similar properties. This amino acid position is not well conserved in available vertebrate species. In addition, this alteration is predicted to be tolerated by in silico analysis. Since supporting evidence is limited at this time, the clinical significance of this alteration remains unclear.

NM_002485.5(NBN):c.1714C>T (p.Pro572Ser)

Gene: NBN (nibrin; minus strand). Cytogenetic location: 8q21.3.
Variant type: single nucleotide variant.
Coding change: c.1714C>T on transcript NM_002485.5 (MANE Select); coding-DNA position 1714, C replaced by T.
Protein change: p.Pro572Ser; replaces proline 572 with serine.
Molecular consequence: missense variant.
Genome position (GRCh38, 1-based): chr8:89,953,375, G>A on the plus strand (C>T on the coding strand, the complement: NBN is on the minus strand). VCF-style: chr8-89953375-G-A. GRCh37 (hg19) VCF-style: chr8-90965603-G-A.
Other names: c.1468C>T, p.Pro490Ser (NM_001024688.3); short protein forms P572S, P490S.
Identifiers: ClinVar variation 530730 (VCV000530730.13), dbSNP rs749918573, ClinGen allele CA4802687.